The following is an entry in ClinVar:

NM_000193.4(SHH):c.824C>A (p.Ala275Glu)

Gene: SHH (sonic hedgehog signaling molecule; minus strand). Cytogenetic location: 7q36.3.
Variant type: single nucleotide variant.
Coding change: c.824C>A on transcript NM_000193.4 (MANE Select); coding-DNA position 824, C replaced by A.
Protein change: p.Ala275Glu; replaces alanine 275 with glutamic acid.
Molecular consequence: missense variant. On other transcripts: intron variant (1).
Genome position (GRCh38, 1-based): chr7:155,803,465, G>T on the plus strand (C>A on the coding strand, the complement: SHH is on the minus strand). VCF-style: chr7-155803465-G-T. GRCh37 (hg19) VCF-style: chr7-155596159-G-T.
Other names: c.301+2831C>A (NM_001310462.2); short protein forms A275E.
Identifiers: ClinVar variation 2735113 (VCV002735113.4), dbSNP rs556192490, ClinGen allele CA4586943.
Genomic context (GRCh38, chr7:155,803,465, plus strand): 5'-GAAGGCGGCCCCGAGCCCGAGGACGCCTCGGGCTCCCCGGTGGCCGAGTCGTTGTGCGGC[G>T]CCACAAAGAGCAGGTGCGCGGCGGTGAGCAGCAGGCGCTCGCGCGGCTCCCGCGTCTCGA-3'
Protein context (NP_000184.1, residues 265-285): LLTAAHLLFV[Ala275Glu]PHNDSATGEP

ClinVar aggregate classification (germline): Uncertain significance. Review status: criteria provided, multiple submitters, no conflicts (2 of 4 stars). 2 submissions from 2 submitters: Uncertain significance (2). Last evaluated 2024-10-25.

Conditions:
Holoprosencephaly 3 (HPE3). Identifiers: Orphanet 2162, MedGen C1840529, MONDO:0007733, OMIM 142945.

Allele frequency attached by ClinVar (database versions not stated): TOPMed 0.00001; 1000 Genomes Project 30x 0.00016; ExAC 0.00035; 1000 Genomes Project 0.00040.
gnomAD v4.1: 72 of 1,554,238 alleles (0.0046%); highest among the groups gnomAD compares: South Asian, 0.047%; no homozygotes.

Submissions (2):

Labcorp Genetics (formerly Invitae), Labcorp
Classification: Uncertain significance for Holoprosencephaly 3. Last evaluated: 2024-10-25. Review status: criteria provided, single submitter. Criteria: Invitae Variant Classification Sherloc (09022015). Collection method: clinical testing. Allele origin: germline.
Comment: This sequence change replaces alanine, which is neutral and non-polar, with glutamic acid, which is acidic and polar, at codon 275 of the SHH protein (p.Ala275Glu). This variant is present in population databases (rs556192490, gnomAD 0.04%), and has an allele count higher than expected for a pathogenic variant. This missense change has been observed in individual(s) with holoprosencephaly (PMID: 19603532). Invitae Evidence Modeling of protein sequence and biophysical properties (such as structural, functional, and spatial information, amino acid conservation, physicochemical variation, residue mobility, and thermodynamic stability) indicates that this missense variant is not expected to disrupt SHH protein function with a negative predictive value of 80%. Experimental studies are conflicting or provide insufficient evidence to determine the effect of this variant on SHH function (PMID: 32939873). In summary, the available evidence is currently insufficient to determine the role of this variant in disease. Therefore, it has been classified as a Variant of Uncertain Significance.

Neuberg Centre For Genomic Medicine, NCGM
Classification: Uncertain significance for Holoprosencephaly 3. Last evaluated: 2023-05-20. Review status: criteria provided, single submitter. Criteria: ACMG Guidelines, 2015. Collection method: clinical testing. Allele origin: germline. Inheritance: Autosomal dominant inheritance. Affected: yes.
Comment: The observed missense variant c.824C>A (p.Ala275Glu) in the SHH gene has been reported previously in a single individual with holoprosencephaly (Roessler E, et al., 2009). Well-established functional studies in zebrafish model show no damaging effect on protein function or splicing (Hong S, et al., 2020). This variant is reported with the allele frequency 0.01% in the gnomAD Exomes. The amino acid Alanine at position 275 is changed to a Glutamic acid changing protein sequence and it might alter its composition and physico-chemical properties. Multiple lines of computational evidence (Polyphen - Damaging, SIFT - Damaging and MutationTaster - Disease causing) predict a damaging effect on protein structure and function for this variant. The residue is conserved by GERP++ and PhyloP across 100 vertebrates. Study on multiple affected individuals is required to prove the pathogenicity of the variant. For these reasons, this variant has been classified as Uncertain Significance.

Literature cited by the submitters: PubMed 19603532 (cited by Labcorp Genetics (formerly Invitae), Labcorp); PubMed 32939873 (cited by Labcorp Genetics (formerly Invitae), Labcorp).